The following is an entry in ClinVar:

ClinVar aggregate classification (germline): Uncertain significance (1 of 4 stars; one submission).

Conditions:
Autosomal recessive limb-girdle muscular dystrophy type 2J (LGMDR10). Also called: Limb-girdle muscular dystrophy, type 2J; MUSCULAR DYSTROPHY, LIMB-GIRDLE, AUTOSOMAL RECESSIVE 10. Identifiers: Orphanet 140922, MedGen C1837342, MONDO:0012127, OMIM 608807.
Dilated cardiomyopathy 1G (CMD1G). Identifiers: Orphanet 154, MedGen C1858763, MONDO:0011400, OMIM 604145.

gnomAD v4.1: 1 of 1,612,640 alleles (0.000062%); highest among the groups gnomAD compares: East Asian, 0.0022%; no homozygotes.

Submission:

Labcorp Genetics (formerly Invitae), Labcorp
Classification: Uncertain significance for Dilated cardiomyopathy 1G; Autosomal recessive limb-girdle muscular dystrophy type 2J. Last evaluated: 2025-07-06. Review status: criteria provided, single submitter. Criteria: Invitae Variant Classification Sherloc (09022015). Collection method: clinical testing. Allele origin: germline.
Comment: This sequence change falls in intron 346 of the TTN gene. It does not directly change the encoded amino acid sequence of the TTN protein. It affects a nucleotide within the consensus splice site. This variant is not present in population databases (gnomAD no frequency). This variant has not been reported in the literature in individuals affected with TTN-related conditions. Variants that disrupt the consensus splice site are a relatively common cause of aberrant splicing (PMID: 17576681, 9536098). Algorithms developed to predict the effect of sequence changes on RNA splicing suggest that this variant is not likely to affect RNA splicing. This variant is located in the A band of TTN (PMID: 25589632). Variants in this region may be relevant for cardiac or neuromuscular disorders (PMID: 25589632, 23975875). In summary, the available evidence is currently insufficient to determine the role of this variant in disease. Therefore, it has been classified as a Variant of Uncertain Significance.

Literature cited by the submitters: PubMed 17576681; PubMed 9536098; PubMed 25589632; PubMed 23975875.

NM_001267550.2(TTN):c.96310+5G>A

Genes: TTN (titin; minus strand), TTN-AS1 (TTN antisense RNA 1; plus strand), LOC126806421 (CDK7 strongly-dependent group 2 enhancer GRCh37_chr2:179407630-179408829; plus strand). Cytogenetic location: 2q31.2.
Variant type: single nucleotide variant.
Coding change: c.96310+5G>A on transcript NM_001267550.2 (MANE Select); 5 bases into the intron after coding-DNA position 96310, G replaced by A.
Molecular consequence: intron variant.
Genome position (GRCh38, 1-based): chr2:178,543,829, C>T on the plus strand (G>A on the coding strand, the complement: TTN is on the minus strand). VCF-style: chr2-178543829-C-T. GRCh37 (hg19) VCF-style: chr2-179408556-C-T.
Other names: c.69115+5G>A (NM_003319.4); c.69691+5G>A (NM_133437.4); c.69490+5G>A (NM_133432.3); c.88606+5G>A (NM_133378.4); c.91387+5G>A (NM_001256850.1).
Identifiers: ClinVar variation 4785047 (VCV004785047.1).
Genomic context (GRCh38, chr2:178,543,829, plus strand): 5'-AGGTCAAGCTATATTGTTTTAGAGGATCTACTCATTGTATAGCCAATTTTAAGTAAAATG[C>T]TTACCATAGACTTTAACAAGGACTGTTGCTGATTTCTTGCCAGATTGGTTTTCAGCTTCA-3'